The following is an entry in ClinVar:

NM_000492.4(CFTR):c.-8G>A

Genes: CFTR (CF transmembrane conductance regulator; plus strand), LOC111674463 (CFTR promoter region; plus strand). Cytogenetic location: 7q31.2.
Variant type: single nucleotide variant.
Coding change: c.-8G>A on transcript NM_000492.4 (MANE Select); 8 bases upstream of the start codon, G replaced by A.
Molecular consequence: 5 prime UTR variant.
Genome position (GRCh38, 1-based): chr7:117,480,087, G>A. VCF-style: chr7-117480087-G-A. GRCh37 (hg19) VCF-style: chr7-117120141-G-A.
Identifiers: ClinVar variation 1379956 (VCV001379956.3), dbSNP rs1800501, ClinGen allele CA2573141472.
Genomic context (GRCh38, chr7:117,480,087, plus strand): 5'-AGTAGGTCTTTGGCATTAGGAGCTTGAGCCCAGACGGCCCTAGCAGGGACCCCAGCGCCC[G>A]AGAGACCATGCAGAGGTCGCCTCTGGAAAAGGCCAGCGTTGTCTCCAAACTTTTTTTCAG-3'

ClinVar aggregate classification (germline): Uncertain significance (1 of 4 stars; one submission).

Conditions:
Cystic fibrosis (CF). Also called: MUCOVISCIDOSIS. Identifiers: Orphanet 586, MedGen C0010674, MONDO:0009061, OMIM 219700. Disease mechanism: loss of function.

gnomAD v4.1: 1 of 1,613,838 alleles (0.000062%); highest among the groups gnomAD compares: Non-Finnish European, 0.000085%; no homozygotes.

Submission:

Labcorp Genetics (formerly Invitae), Labcorp
Classification: Uncertain significance for Cystic fibrosis. Last evaluated: 2022-09-27. Review status: criteria provided, single submitter. Criteria: Invitae Variant Classification Sherloc (09022015). Collection method: clinical testing. Allele origin: germline.
Comment: This variant occurs in a non-coding region of the CFTR gene. It does not change the encoded amino acid sequence of the CFTR protein. This variant is not present in population databases (gnomAD no frequency). This variant has not been reported in the literature in individuals affected with CFTR-related conditions. ClinVar contains an entry for this variant (Variation ID: 1379956). In summary, the available evidence is currently insufficient to determine the role of this variant in disease. Therefore, it has been classified as a Variant of Uncertain Significance.